The following is an entry in ClinVar:

NM_014956.5(CEP164):c.1671G>A (p.Glu557=)

Gene: CEP164 (centrosomal protein 164; plus strand). Cytogenetic location: 11q23.3.
Variant type: single nucleotide variant.
Coding change: c.1671G>A on transcript NM_014956.5 (MANE Select); coding-DNA position 1671, G replaced by A.
Protein change: p.Glu557=; no amino-acid change (glutamic acid 557 retained).
Molecular consequence: synonymous variant. On other transcripts: intron variant (27).
Genome position (GRCh38, 1-based): chr11:117,382,889, G>A. VCF-style: chr11-117382889-G-A. GRCh37 (hg19) VCF-style: chr11-117253605-G-A.
Other names: c.1680G>A, p.Glu560= (NM_001271933.2, NM_001440949.1); c.1671G>A, p.Glu557= (NM_001440950.1, NM_001440951.1, NM_001440953.1 and 1 more transcripts); c.1593G>A, p.Glu531= (NM_001440954.1, NM_001440955.1, NM_001440958.1 and 2 more transcripts); c.1542G>A, p.Glu514= (NM_001440960.1); c.1512G>A, p.Glu504= (NM_001440972.1); c.1586+1021G>A (NM_001440967.1, NM_001440961.1); c.1637+1021G>A (NM_001440956.1, NM_001440957.1); c.1577+1021G>A (NM_001440962.1, NM_001440970.1, NM_001440964.1 and 6 more transcripts); and 2 more.
Identifiers: ClinVar variation 4999241 (VCV004999241.1).
Genomic context (GRCh38, chr11:117,382,889, plus strand): 5'-GAAGGGCAAGGAGCAGCATTCCCAGGCCGAGGAGCTGGGCCCTGGGCAGGAAGAGGCAGA[G>A]GATCCTGAGGAGAAGGTGGCGGTCAGCCCCACCCCGCCAGTCTCTCCAGAGGTGTAAGGG-3'
Protein context (NP_055771.4, residues 547-567): EELGPGQEEA[Glu557=]DPEEKVAVSP

ClinVar aggregate classification (germline): Likely benign (1 of 4 stars; one submission).

Conditions:
CEP164-related disorder. Also called: CEP164-related condition.

gnomAD v4.1: 1 of 1,613,986 alleles (0.000062%); highest among the groups gnomAD compares: Non-Finnish European, 0.000085%; no homozygotes.

Submission:

PreventionGenetics, part of Exact Sciences
Classification: Likely benign for CEP164-related condition. Last evaluated: 2025-05-05. Review status: criteria provided, single submitter. Criteria: ACMG Guidelines, 2015. Collection method: clinical testing. Allele origin: germline.
Comment: This variant is classified as likely benign based on ACMG/AMP sequence variant interpretation guidelines (Richards et al. 2015 PMID: 25741868, with internal and published modifications).